The following is an entry in ClinVar:

ClinVar aggregate classification (germline): Uncertain significance. Review status: criteria provided, multiple submitters, no conflicts (2 of 4 stars). 2 submissions from 2 submitters: Uncertain significance (2). Last evaluated 2024-06-13.

Conditions:
Donnai-Barrow syndrome. Also called: DBS/FOAR SYNDROME; FACIOOCULOACOUSTICORENAL SYNDROME. Identifiers: Orphanet 2143, MedGen C1857277, MONDO:0009104, OMIM 222448.

Allele frequency attached by ClinVar (database versions not stated): ExAC 0.00001; gnomAD 0.00001; TOPMed 0.00001.
gnomAD v4.1: 8 of 1,563,122 alleles (0.00051%); highest among the groups gnomAD compares: African/African-American, 0.0014%; no homozygotes.

Submissions (2):

Fulgent Genetics
Classification: Uncertain significance for Donnai-Barrow syndrome. Last evaluated: 2024-06-13. Review status: criteria provided, single submitter. Criteria: ACMG Guidelines, 2015. Collection method: clinical testing. Allele origin: germline.

Labcorp Genetics (formerly Invitae), Labcorp
Classification: Uncertain significance. Last evaluated: 2021-12-27. Review status: criteria provided, single submitter. Criteria: Invitae Variant Classification Sherloc (09022015). Collection method: clinical testing. Allele origin: germline.
Comment: This sequence change falls in intron 77 of the LRP2 gene. It does not directly change the encoded amino acid sequence of the LRP2 protein. It affects a nucleotide within the consensus splice site. This variant is present in population databases (rs766726645, gnomAD 0.0009%). This variant has not been reported in the literature in individuals affected with LRP2-related conditions. Variants that disrupt the consensus splice site are a relatively common cause of aberrant splicing (PMID: 17576681, 9536098). Algorithms developed to predict the effect of sequence changes on RNA splicing suggest that this variant is not likely to affect RNA splicing. In summary, the available evidence is currently insufficient to determine the role of this variant in disease. Therefore, it has been classified as a Variant of Uncertain Significance.

Literature cited by the submitters: PubMed 17576681 (cited by Labcorp Genetics (formerly Invitae), Labcorp); PubMed 9536098 (cited by Labcorp Genetics (formerly Invitae), Labcorp).

NM_004525.3(LRP2):c.13728+6A>T

Gene: LRP2 (LDL receptor related protein 2; minus strand). Cytogenetic location: 2q31.1.
Variant type: single nucleotide variant.
Coding change: c.13728+6A>T on transcript NM_004525.3 (MANE Select); 6 bases into the intron after coding-DNA position 13728, A replaced by T.
Molecular consequence: intron variant.
Genome position (GRCh38, 1-based): chr2:169,132,568, T>A on the plus strand (A>T on the coding strand, the complement: LRP2 is on the minus strand). VCF-style: chr2-169132568-T-A. GRCh37 (hg19) VCF-style: chr2-169989078-T-A.
Identifiers: ClinVar variation 2150395 (VCV002150395.2), dbSNP rs766726645, ClinGen allele CA1952453.
Genomic context (GRCh38, chr2:169,132,568, plus strand): 5'-ATAAAAACCCAGTCATCCCAAAGTTTTTCCAAATCCCACATTATTTCAGGAGTCGGCAAC[T>A]GTTACCTGAGTTCCATCAGCAGCTGGTGAAGTTGGGTTTGTCTCTGGAACTATCTCAGAA-3'